The following is an entry in ClinVar:

ClinVar aggregate classification (germline): Conflicting classifications of pathogenicity. Review status: criteria provided, conflicting classifications (1 of 4 stars). 8 submissions from 8 submitters: Uncertain significance (3); Likely benign (5). Last evaluated 2025-11-05.

Conditions:
Microcephaly 5, primary, autosomal recessive (MCPH5). Also called: ASPM Primary Microcephaly. Identifiers: Orphanet 2512, MedGen C1837501, MONDO:0012106, OMIM 608716.
Inborn genetic diseases. Identifiers: MedGen C0950123, MeSH D030342.

Allele frequency attached by ClinVar (database versions not stated): 1000 Genomes Project 30x 0.00016; 1000 Genomes Project 0.00020; ESP Exome Variant Server 0.00023; TOPMed 0.00041; gnomAD exomes 0.00044; ExAC 0.00050; gnomAD 0.00055 and 0.00056.
gnomAD v4.1: 1,272 of 1,612,048 alleles (0.079%); highest among the groups gnomAD compares: Non-Finnish European, 0.1%; 1 homozygote.

Submissions (8):

Labcorp Genetics (formerly Invitae), Labcorp
Classification: Likely benign. Last evaluated: 2025-11-05. Review status: criteria provided, single submitter. Criteria: Invitae Variant Classification Sherloc (09022015). Collection method: clinical testing. Allele origin: germline.

Ambry Genetics
Classification: Uncertain significance for Inborn genetic diseases. Last evaluated: 2025-07-13. Review status: criteria provided, single submitter. Criteria: Ambry Variant Classification Scheme 2023. Collection method: clinical testing. Allele origin: germline.

Blueprint Genetics
Classification: Likely benign. Last evaluated: 2024-10-01. Review status: criteria provided, single submitter. Criteria: ACMG Guidelines, 2015. Collection method: clinical testing. Allele origin: germline.

CeGaT Center for Human Genetics Tuebingen
Classification: Likely benign. Last evaluated: 2022-07-01. Review status: criteria provided, single submitter. Criteria: CeGaT Center For Human Genetics Tuebingen Variant Classification Criteria Version 2. Collection method: clinical testing. Allele origin: germline. Affected: yes. Observed: 1 variant allele.
Comment: ASPM: BP4, BS2

GeneDx
Classification: Likely benign. Last evaluated: 2020-12-01. Review status: criteria provided, single submitter. Criteria: GeneDx Variant Classification Process June 2021. Collection method: clinical testing. Allele origin: germline. Affected: yes.

Illumina Laboratory Services, Illumina
Classification: Uncertain significance for Microcephaly 5, primary, autosomal recessive. Last evaluated: 2018-01-12. Review status: criteria provided, single submitter. Criteria: ICSL Variant Classification Criteria 13 December 2019. Collection method: clinical testing. Allele origin: germline.

Eurofins Ntd Llc (ga)
Classification: Uncertain significance. Last evaluated: 2017-04-11. Review status: criteria provided, single submitter. Criteria: EGL Classification Definitions 2015. Collection method: clinical testing. Allele origin: germline. Observed: 1 variant allele, 1 heterozygote.

Genetic Services Laboratory, University of Chicago
Classification: Likely benign. Last evaluated: 2016-04-08. Review status: criteria provided, single submitter. Criteria: ACMG Guidelines, 2015. Collection method: clinical testing. Allele origin: germline. Affected: no.

NM_018136.5(ASPM):c.9676T>G (p.Cys3226Gly)

Gene: ASPM (assembly factor for spindle microtubules; minus strand). Cytogenetic location: 1q31.3.
Variant type: single nucleotide variant.
Coding change: c.9676T>G on transcript NM_018136.5 (MANE Select); coding-DNA position 9676, T replaced by G.
Protein change: p.Cys3226Gly; replaces cysteine 3226 with glycine.
Molecular consequence: missense variant.
Genome position (GRCh38, 1-based): chr1:197,090,349, A>C on the plus strand (T>G on the coding strand, the complement: ASPM is on the minus strand). VCF-style: chr1-197090349-A-C. GRCh37 (hg19) VCF-style: chr1-197059479-A-C.
Other names: c.4921T>G, p.Cys1641Gly (NM_001206846.2); short protein forms C3226G, C1641G.
Identifiers: ClinVar variation 434404 (VCV000434404.51), dbSNP rs142901223, ClinGen allele CA1308881.